The following is an entry in ClinVar:

NM_001110556.2(FLNA):c.2713G>A (p.Gly905Ser)

Gene: FLNA (filamin A; minus strand). Cytogenetic location: Xq28.
Variant type: single nucleotide variant.
Coding change: c.2713G>A on transcript NM_001110556.2 (MANE Select); coding-DNA position 2713, G replaced by A.
Protein change: p.Gly905Ser; replaces glycine 905 with serine.
Molecular consequence: missense variant.
Genome position (GRCh38, 1-based): chrX:154,362,092, C>T on the plus strand (G>A on the coding strand, the complement: FLNA is on the minus strand). VCF-style: chrX-154362092-C-T. GRCh37 (hg19) VCF-style: chrX-153590460-C-T.
Other names: c.2713G>A, p.Gly905Ser (NM_001456.4); short protein forms G905S.
Identifiers: ClinVar variation 2933902 (VCV002933902.3), dbSNP rs2522747251, ClinGen allele CA415232980.
Genomic context (GRCh38, chrX:154,362,092, plus strand): 5'-TGTCCACATCTCGCACTGCATCCCCCTTGGTGAGTCCTGAGAACTGGACGTCCAGCTTGC[C>T]TTTGCCAGCAGCTTTGGCATTTACTGTGAAGTGGGTGGGCTTGCCAAGCTCGACACCTGA-3'
Protein context (NP_001104026.1, residues 895-915): FTVNAKAAGK[Gly905Ser]KLDVQFSGLT

ClinVar aggregate classification (germline): Uncertain significance (1 of 4 stars; one submission).

Conditions:
Oto-palato-digital syndrome, type II (OPD2). Also called: FACIOPALATOOSSEOUS SYNDROME; OPD II SYNDROME; Otopalatodigital Syndrome, Type II; Otopalatodigital Syndrome Type 2 (FLNA-OPD2). Identifiers: Orphanet 669, Orphanet 90652, MedGen C1844696, MONDO:0010571, OMIM 304120.
Heterotopia, periventricular, X-linked dominant (PVNH1). Also called: PERIVENTRICULAR NODULAR HETEROTOPIA 1; X-linked periventricular heterotopia; PERIVENTRICULAR NODULAR HETEROTOPIA 4; HETEROTOPIA, PERIVENTRICULAR, 1. Identifiers: Orphanet 2149, Orphanet 82004, MedGen C1848213, MONDO:0010233, OMIM 300049.
Frontometaphyseal dysplasia (FMD1). Identifiers: Orphanet 1826, MedGen C0265293, MONDO:0015942.
Melnick-Needles syndrome (MNS). Also called: MELNICK-NEEDLES OSTEODYSPLASTY; OSTEODYSPLASTY OF MELNICK AND NEEDLES; Melnick-Needles Syndrome (FLNA-MNS). Identifiers: Orphanet 2484, MedGen C0025237, MONDO:0010650, OMIM 309350.

Allele frequency attached by ClinVar (database versions not stated): gnomAD exomes below 0.00001.
gnomAD v4.1: 2 of 1,211,713 alleles (0.00017%); highest among the groups gnomAD compares: Non-Finnish European, 0.00022%; no homozygotes.

Submission:

Labcorp Genetics (formerly Invitae), Labcorp
Classification: Uncertain significance for Oto-palato-digital syndrome, type II; Heterotopia, periventricular, X-linked dominant; Frontometaphyseal dysplasia; Melnick-Needles syndrome. Last evaluated: 2023-06-14. Review status: criteria provided, single submitter. Criteria: Invitae Variant Classification Sherloc (09022015). Collection method: clinical testing. Allele origin: germline.
Comment: This sequence change replaces glycine, which is neutral and non-polar, with serine, which is neutral and polar, at codon 905 of the FLNA protein (p.Gly905Ser). This variant is not present in population databases (gnomAD no frequency). This variant has not been reported in the literature in individuals affected with FLNA-related conditions. Advanced modeling of protein sequence and biophysical properties (such as structural, functional, and spatial information, amino acid conservation, physicochemical variation, residue mobility, and thermodynamic stability) performed at Invitae indicates that this missense variant is not expected to disrupt FLNA protein function. In summary, the available evidence is currently insufficient to determine the role of this variant in disease. Therefore, it has been classified as a Variant of Uncertain Significance.